The following is an entry in ClinVar:

NM_006420.3(ARFGEF2):c.276+6A>G

Gene: ARFGEF2 (ARF guanine nucleotide exchange factor 2; plus strand). Cytogenetic location: 20q13.13.
Variant type: single nucleotide variant.
Coding change: c.276+6A>G on transcript NM_006420.3 (MANE Select); 6 bases into the intron after coding-DNA position 276, A replaced by G.
Molecular consequence: intron variant.
Genome position (GRCh38, 1-based): chr20:48,941,993, A>G. VCF-style: chr20-48941993-A-G. GRCh37 (hg19) VCF-style: chr20-47558530-A-G.
Other names: c.276+6A>G (NM_006420.2).
Identifiers: ClinVar variation 1360650 (VCV001360650.6), dbSNP rs1427216608, ClinGen allele CA745065415.

ClinVar aggregate classification (germline): Uncertain significance. Review status: criteria provided, single submitter (1 of 4 stars). 2 submissions from 2 submitters: Uncertain significance (1). 1 of the submissions does not count toward it. Last evaluated 2021-12-02.

Conditions:
ARFGEF2-related disorder. Also called: ARFGEF2-related condition.

Allele frequency attached by ClinVar (database versions not stated): TOPMed 0.00002.

Submissions (2):

Labcorp Genetics (formerly Invitae), Labcorp
Classification: Uncertain significance. Last evaluated: 2021-12-02. Review status: criteria provided, single submitter. Criteria: Invitae Variant Classification Sherloc (09022015). Collection method: clinical testing. Allele origin: germline.
Comment: This sequence change falls in intron 3 of the ARFGEF2 gene. It does not directly change the encoded amino acid sequence of the ARFGEF2 protein. It affects a nucleotide within the consensus splice site. In summary, the available evidence is currently insufficient to determine the role of this variant in disease. Therefore, it has been classified as a Variant of Uncertain Significance. Variants that disrupt the consensus splice site are a relatively common cause of aberrant splicing (PMID: 17576681, 9536098). Algorithms developed to predict the effect of sequence changes on RNA splicing suggest that this variant is not likely to affect RNA splicing. This variant has not been reported in the literature in individuals affected with ARFGEF2-related conditions. This variant is not present in population databases (gnomAD no frequency).

PreventionGenetics, part of Exact Sciences
Classification: Likely benign for ARFGEF2-related condition. Last evaluated: 2022-11-15. Review status: no assertion criteria provided. Collection method: clinical testing. Allele origin: germline. Not counted in ClinVar's aggregate classification.
Comment: This variant is classified as likely benign based on ACMG/AMP sequence variant interpretation guidelines (Richards et al. 2015 PMID: 25741868, with internal and published modifications).

Literature cited by the submitters: PubMed 17576681 (cited by Labcorp Genetics (formerly Invitae), Labcorp); PubMed 9536098 (cited by Labcorp Genetics (formerly Invitae), Labcorp).